The following is an entry in ClinVar:

ClinVar aggregate classification (germline): Uncertain significance (1 of 4 stars; one submission).

Allele frequency attached by ClinVar (database versions not stated): gnomAD 0.00001; gnomAD exomes 0.00001; TOPMed 0.00001; ExAC 0.00002.
gnomAD v4.1: 4 of 1,614,146 alleles (0.00025%); highest among the groups gnomAD compares: East Asian, 0.0045%; no homozygotes.

Submission:

Labcorp Genetics (formerly Invitae), Labcorp
Classification: Uncertain significance. Last evaluated: 2024-12-19. Review status: criteria provided, single submitter. Criteria: Invitae Variant Classification Sherloc (09022015). Collection method: clinical testing. Allele origin: germline.
Comment: This sequence change replaces serine, which is neutral and polar, with phenylalanine, which is neutral and non-polar, at codon 474 of the ACAD9 protein (p.Ser474Phe). This variant is present in population databases (rs756349923, gnomAD 0.006%). This variant has not been reported in the literature in individuals affected with ACAD9-related conditions. ClinVar contains an entry for this variant (Variation ID: 2141795). Invitae Evidence Modeling of protein sequence and biophysical properties (such as structural, functional, and spatial information, amino acid conservation, physicochemical variation, residue mobility, and thermodynamic stability) indicates that this missense variant is not expected to disrupt ACAD9 protein function with a negative predictive value of 80%. In summary, the available evidence is currently insufficient to determine the role of this variant in disease. Therefore, it has been classified as a Variant of Uncertain Significance.

NM_014049.5(ACAD9):c.1421C>T (p.Ser474Phe)

Gene: ACAD9 (acyl-CoA dehydrogenase family member 9; plus strand). Cytogenetic location: 3q21.3.
Variant type: single nucleotide variant.
Coding change: c.1421C>T on transcript NM_014049.5 (MANE Select); coding-DNA position 1421, C replaced by T.
Protein change: p.Ser474Phe; replaces serine 474 with phenylalanine.
Molecular consequence: missense variant. On other transcripts: non-coding transcript variant (1).
Genome position (GRCh38, 1-based): chr3:128,909,035, C>T. VCF-style: chr3-128909035-C-T. GRCh37 (hg19) VCF-style: chr3-128627878-C-T.
Other names: c.1052C>T, p.Ser351Phe (NM_001410805.1); short protein forms S474F, S351F.
Identifiers: ClinVar variation 2141795 (VCV002141795.2), dbSNP rs756349923, ClinGen allele CA2601542.